The following is an entry in ClinVar:

NM_002485.5(NBN):c.1988dup (p.Ile664fs)

Gene: NBN (nibrin; minus strand). Cytogenetic location: 8q21.3.
Variant type: Duplication.
Coding change: c.1988dup on transcript NM_002485.5 (MANE Select); coding-DNA position 1988, one base duplicated (T; older notation c.1988dupT).
Protein change: p.Ile664fs; shifts the reading frame from isoleucine 664.
Molecular consequence: frameshift variant.
Genome position (GRCh38, 1-based): chr8:89,946,222, A duplicated on the plus strand (T on the coding strand, the reverse complement: NBN is on the minus strand). VCF-style (leftmost placement, unchanged base first): chr8-89946221-C-CA. GRCh37 (hg19) VCF-style: chr8-90958449-C-CA.
Other names: c.1742dup, p.Ile582fs (NM_001024688.3, NM_001440379.1, NM_001440380.1); short protein forms I582fs, I664fs.
Identifiers: ClinVar variation 5015550 (VCV005015550.1).

ClinVar aggregate classification (germline): Pathogenic (1 of 4 stars; one submission).

Conditions:
Microcephaly, normal intelligence and immunodeficiency (NBS). Also called: IMMUNODEFICIENCY, MICROCEPHALY, AND CHROMOSOMAL INSTABILITY; SEEMANOVA SYNDROME II; Nijmegen breakage syndrome; Microcephaly with normal intelligence immunodeficiency and lymphoreticular malignancies; Nonsyndromal microcephaly autosomal recessive with normal intelligence; Seemanova syndrome 2. Identifiers: Orphanet 647, MedGen C0398791, MONDO:0009623, OMIM 251260.

Submission:

Myriad Genetics, Inc.
Classification: Pathogenic for Microcephaly, normal intelligence and immunodeficiency. Last evaluated: 2026-02-14. Review status: criteria provided, single submitter. Criteria: Myriad Autosomal Dominant, Autosomal Recessive and X-Linked Classification Criteria (2023). Collection method: clinical testing. Allele origin: unknown.
Comment: NM_002485.4(NBN):c.1988dupT(I664Dfs*2) is expected to be pathogenic in the context of Nijmegen breakage syndrome. This variant is predicted to lead to an abnormal or absent protein product due to the creation of a premature termination codon in NBN, a gene where loss-of-function variants are known to be pathogenic. Please note: this variant was assessed in the context of healthy population screening.